The following is an entry in ClinVar:

NM_000535.7(PMS2):c.1709dup (p.Asn570fs)

Gene: PMS2 (PMS1 homolog 2, mismatch repair system component; minus strand). Cytogenetic location: 7p22.1.
Variant type: Duplication.
Coding change: c.1709dup on transcript NM_000535.7 (MANE Select); coding-DNA position 1709, one base duplicated (A; older notation c.1709dupA).
Protein change: p.Asn570fs; shifts the reading frame from asparagine 570.
Molecular consequence: frameshift variant. On other transcripts: non-coding transcript variant (1).
Genome position (GRCh38, 1-based): chr7:5,987,056, T duplicated on the plus strand (A on the coding strand, the reverse complement: PMS2 is on the minus strand); the first of 2 consecutive T bases (chr7:5,987,056-5,987,057); duplicating either gives the same sequence. VCF-style (leftmost placement, unchanged base first): chr7-5987055-A-AT. GRCh37 (hg19) VCF-style: chr7-6026686-A-AT.
Other names: c.1709dupA (NM_000535.5); c.1304dup, p.Asn435fs (NM_001322003.2, NM_001322004.2, NM_001322005.2 and 1 more transcripts); c.1553dup, p.Asn518fs (NM_001322006.2); c.1391dup, p.Asn464fs (NM_001322007.2, NM_001322008.2); c.1148dup, p.Asn383fs (NM_001322010.2); c.776dup, p.Asn259fs (NM_001322011.2, NM_001322012.2); c.1136dup, p.Asn379fs (NM_001322013.2); c.1709dup, p.Asn570fs (NM_001322014.2); and 1 more; short protein forms N464fs, N467fs, N518fs, N259fs, N379fs, N383fs, N435fs, N570fs.
Identifiers: ClinVar variation 844871 (VCV000844871.11), dbSNP rs1783004175, ClinGen allele CA916079948.

ClinVar aggregate classification (germline): Pathogenic/Likely pathogenic. Review status: criteria provided, multiple submitters, no conflicts (2 of 4 stars). 3 submissions from 3 submitters: Pathogenic (2); Likely pathogenic (1). Last evaluated 2025-06-09.

Conditions:
Hereditary nonpolyposis colorectal neoplasms. Identifiers: MedGen C0009405, MeSH D003123.
Hereditary cancer-predisposing syndrome. Also called: Tumor predisposition; Hereditary neoplastic syndrome; Neoplastic Syndromes, Hereditary; Hereditary Cancer Syndrome. Identifiers: Orphanet 140162, MedGen C0027672, MeSH D009386, MONDO:0015356.
Lynch syndrome 4 (LYNCH4). Also called: Hereditary non-polyposis colorectal cancer, type 4; Colorectal cancer, hereditary nonpolyposis, type 4. Identifiers: Orphanet 144, MedGen C1838333, MONDO:0013699, OMIM 614337. Disease mechanism: loss of function.

Submissions (3):

Labcorp Genetics (formerly Invitae), Labcorp
Classification: Pathogenic for Hereditary nonpolyposis colorectal neoplasms. Last evaluated: 2025-06-09. Review status: criteria provided, single submitter. Criteria: Invitae Variant Classification Sherloc (09022015). Collection method: clinical testing. Allele origin: germline.
Comment: This sequence change creates a premature translational stop signal (p.Asn570Lysfs*11) in the PMS2 gene. It is expected to result in an absent or disrupted protein product. Loss-of-function variants in PMS2 are known to be pathogenic (PMID: 21376568, 24362816). This variant is not present in population databases (gnomAD no frequency). This variant has not been reported in the literature in individuals affected with PMS2-related conditions. ClinVar contains an entry for this variant (Variation ID: 844871). For these reasons, this variant has been classified as Pathogenic.

Baylor Genetics
Classification: Likely pathogenic for Lynch syndrome 4. Last evaluated: 2022-10-16. Review status: criteria provided, single submitter. Criteria: ACMG Guidelines, 2015. Collection method: clinical testing. Allele origin: unknown.

Ambry Genetics
Classification: Pathogenic for Hereditary cancer-predisposing syndrome. Last evaluated: 2020-09-17. Review status: criteria provided, single submitter. Criteria: Ambry Variant Classification Scheme 2023. Collection method: clinical testing. Allele origin: germline.
Comment: The c.1709dupA pathogenic mutation, located in coding exon 11 of the PMS2 gene, results from a duplication of A at nucleotide position 1709, causing a translational frameshift with a predicted alternate stop codon (p.N570Kfs*11). This alteration is expected to result in loss of function by premature protein truncation or nonsense-mediated mRNA decay. As such, this alteration is interpreted as a disease-causing mutation.

Literature cited by the submitters: PubMed 21376568 (cited by Labcorp Genetics (formerly Invitae), Labcorp); PubMed 24362816 (cited by Labcorp Genetics (formerly Invitae), Labcorp).